The following is an entry in ClinVar:

ClinVar aggregate classification (germline): Uncertain significance (1 of 4 stars; one submission).

Submission:

Labcorp Genetics (formerly Invitae), Labcorp
Classification: Uncertain significance. Last evaluated: 2025-05-19. Review status: criteria provided, single submitter. Criteria: Invitae Variant Classification Sherloc (09022015). Collection method: clinical testing. Allele origin: germline.
Comment: This sequence change replaces glycine, which is neutral and non-polar, with arginine, which is basic and polar, at codon 286 of the COL11A2 protein (p.Gly286Arg). This variant is not present in population databases (gnomAD no frequency). This variant has not been reported in the literature in individuals affected with COL11A2-related conditions. Invitae Evidence Modeling of protein sequence and biophysical properties (such as structural, functional, and spatial information, amino acid conservation, physicochemical variation, residue mobility, and thermodynamic stability) indicates that this missense variant is not expected to disrupt COL11A2 protein function with a negative predictive value of 95%. In summary, the available evidence is currently insufficient to determine the role of this variant in disease. Therefore, it has been classified as a Variant of Uncertain Significance.

NM_080680.3(COL11A2):c.856G>A (p.Gly286Arg)

Gene: COL11A2 (collagen type XI alpha 2 chain; minus strand). Cytogenetic location: 6p21.32.
Variant type: single nucleotide variant.
Coding change: c.856G>A on transcript NM_080680.3 (MANE Select); coding-DNA position 856, G replaced by A.
Protein change: p.Gly286Arg; replaces glycine 286 with arginine.
Molecular consequence: missense variant. On other transcripts: intron variant (2).
Genome position (GRCh38, 1-based): chr6:33,185,721, C>T on the plus strand (G>A on the coding strand, the complement: COL11A2 is on the minus strand). VCF-style: chr6-33185721-C-T. GRCh37 (hg19) VCF-style: chr6-33153498-C-T.
Other names: c.856G>A, p.Gly286Arg (NM_001424108.1); c.10G>A, p.Gly4Arg (NM_001424109.1, NM_001424110.1, NM_001424111.1); c.798+906G>A (NM_080679.3); c.799-667G>A (NM_080681.3); short protein forms G4R, G286R.
Identifiers: ClinVar variation 4750416 (VCV004750416.1).